The following is an entry in ClinVar:

NM_017671.5(FERMT1):c.1661G>A (p.Arg554Gln)

Gene: FERMT1 (FERM domain containing kindlin 1; minus strand). Cytogenetic location: 20p12.3.
Variant type: single nucleotide variant.
Coding change: c.1661G>A on transcript NM_017671.5 (MANE Select); coding-DNA position 1661, G replaced by A.
Protein change: p.Arg554Gln; replaces arginine 554 with glutamine.
Molecular consequence: missense variant.
Genome position (GRCh38, 1-based): chr20:6,084,097, C>T on the plus strand (G>A on the coding strand, the complement: FERMT1 is on the minus strand). VCF-style: chr20-6084097-C-T. GRCh37 (hg19) VCF-style: chr20-6064744-C-T.
Other names: c.1661G>A (NM_017671.4); short protein forms R554Q.
Identifiers: ClinVar variation 1367970 (VCV001367970.7), dbSNP rs763811237, ClinGen allele CA9758065.

ClinVar aggregate classification (germline): Uncertain significance. Review status: criteria provided, multiple submitters, no conflicts (2 of 4 stars). 2 submissions from 2 submitters: Uncertain significance (2). Last evaluated 2025-08-14.

Conditions:
Inborn genetic diseases. Identifiers: MedGen C0950123, MeSH D030342.

Allele frequency attached by ClinVar (database versions not stated): gnomAD 0.00001.
gnomAD v4.1: 40 of 1,613,876 alleles (0.0025%); highest among the groups gnomAD compares: Admixed American, 0.04%; no homozygotes.

Submissions (2):

Ambry Genetics
Classification: Uncertain significance for Inborn genetic diseases. Last evaluated: 2025-08-14. Review status: criteria provided, single submitter. Criteria: Ambry Variant Classification Scheme 2023. Collection method: clinical testing. Allele origin: germline.

Labcorp Genetics (formerly Invitae), Labcorp
Classification: Uncertain significance. Last evaluated: 2022-03-19. Review status: criteria provided, single submitter. Criteria: Invitae Variant Classification Sherloc (09022015). Collection method: clinical testing. Allele origin: germline.
Comment: This sequence change replaces arginine, which is basic and polar, with glutamine, which is neutral and polar, at codon 554 of the FERMT1 protein (p.Arg554Gln). This variant is present in population databases (rs763811237, gnomAD 0.05%). This variant has not been reported in the literature in individuals affected with FERMT1-related conditions. Algorithms developed to predict the effect of missense changes on protein structure and function output the following: SIFT: "Tolerated"; PolyPhen-2: "Benign"; Align-GVGD: "Class C0". The glutamine amino acid residue is found in multiple mammalian species, which suggests that this missense change does not adversely affect protein function. In summary, the available evidence is currently insufficient to determine the role of this variant in disease. Therefore, it has been classified as a Variant of Uncertain Significance.